The following is an entry in ClinVar:

NM_005655.4(KLF10):c.1060G>A (p.Ala354Thr)

Gene: KLF10 (KLF transcription factor 10; minus strand). Cytogenetic location: 8q22.3.
Variant type: single nucleotide variant.
Coding change: c.1060G>A on transcript NM_005655.4 (MANE Select); coding-DNA position 1060, G replaced by A.
Protein change: p.Ala354Thr; replaces alanine 354 with threonine.
Molecular consequence: missense variant.
Genome position (GRCh38, 1-based): chr8:102,651,272, C>T on the plus strand (G>A on the coding strand, the complement: KLF10 is on the minus strand). VCF-style: chr8-102651272-C-T. GRCh37 (hg19) VCF-style: chr8-103663500-C-T.
Other names: c.1027G>A, p.Ala343Thr (NM_001032282.4); short protein forms A343T, A354T.
Identifiers: ClinVar variation 2891293 (VCV002891293.3), dbSNP rs1336789857, ClinGen allele CA371624146.

ClinVar aggregate classification (germline): Uncertain significance (1 of 4 stars; one submission).

Allele frequency attached by ClinVar (database versions not stated): gnomAD exomes below 0.00001.

Submission:

Labcorp Genetics (formerly Invitae), Labcorp
Classification: Uncertain significance. Last evaluated: 2024-01-11. Review status: criteria provided, single submitter. Criteria: Invitae Variant Classification Sherloc (09022015). Collection method: clinical testing. Allele origin: germline.
Comment: This sequence change replaces alanine, which is neutral and non-polar, with threonine, which is neutral and polar, at codon 354 of the KLF10 protein (p.Ala354Thr). This variant is not present in population databases (gnomAD no frequency). This variant has not been reported in the literature in individuals affected with KLF10-related conditions. Algorithms developed to predict the effect of missense changes on protein structure and function output the following: SIFT: "Not Available"; PolyPhen-2: "Benign"; Align-GVGD: "Not Available". The threonine amino acid residue is found in multiple mammalian species, which suggests that this missense change does not adversely affect protein function. In summary, the available evidence is currently insufficient to determine the role of this variant in disease. Therefore, it has been classified as a Variant of Uncertain Significance.